The following is an entry in ClinVar:

NM_002439.5(MSH3):c.3192_3193del (p.Ala1065fs)

Gene: MSH3 (mutS homolog 3; plus strand). Cytogenetic location: 5q14.1.
Variant type: Deletion.
Coding change: c.3192_3193del on transcript NM_002439.5 (MANE Select); coding-DNA positions 3192 to 3193, 2 bases deleted (AG; older notation c.3192_3193delAG).
Protein change: p.Ala1065fs; shifts the reading frame from alanine 1065.
Molecular consequence: frameshift variant.
Genome position (GRCh38, 1-based): chr5:80,873,177-80,873,178, AG deleted. VCF-style (leftmost placement, unchanged base first): chr5-80873176-CAG-C. GRCh37 (hg19) VCF-style: chr5-80168995-CAG-C.
Other names: short protein forms A1065fs.
Identifiers: ClinVar variation 5024832 (VCV005024832.1).

ClinVar aggregate classification (germline): Pathogenic (1 of 4 stars; one submission).

Conditions:
Hereditary cancer-predisposing syndrome. Also called: Neoplastic Syndromes, Hereditary; Tumor predisposition; Hereditary neoplastic syndrome; Hereditary Cancer Syndrome. Identifiers: Orphanet 140162, MedGen C0027672, MeSH D009386, MONDO:0015356.

Submission:

Ambry Genetics
Classification: Pathogenic for Hereditary cancer-predisposing syndrome. Last evaluated: 2026-08-25. Review status: criteria provided, single submitter. Criteria: Ambry Variant Classification Scheme 2023. Collection method: clinical testing. Allele origin: germline.
Comment: The c.3192_3193delAG pathogenic mutation, located in coding exon 23 of the MSH3 gene, results from a deletion of two nucleotides at nucleotide positions 3192 to 3193, causing a translational frameshift with a predicted alternate stop codon (p.A1065Kfs*9). This variant is considered to be rare based on population cohorts in the Genome Aggregation Database (gnomAD). This alteration is expected to result in loss of function by premature protein truncation or nonsense-mediated mRNA decay. As such, this alteration is interpreted as a disease-causing mutation.